The following is an entry in ClinVar:

NM_002460.4(IRF4):c.1023G>A (p.Ala341=)

Gene: IRF4 (interferon regulatory factor 4; plus strand). Cytogenetic location: 6p25.3.
Variant type: single nucleotide variant.
Coding change: c.1023G>A on transcript NM_002460.4 (MANE Select); coding-DNA position 1023, G replaced by A.
Protein change: p.Ala341=; no amino-acid change (alanine 341 retained).
Molecular consequence: synonymous variant. On other transcripts: non-coding transcript variant (1).
Genome position (GRCh38, 1-based): chr6:401,701, G>A. VCF-style: chr6-401701-G-A. GRCh37 (hg19) VCF-style: chr6-401701-G-A.
Other names: c.1023G>A (NM_002460.3); c.1020G>A, p.Ala340= (NM_001195286.2).
Identifiers: ClinVar variation 1090054 (VCV001090054.35), dbSNP rs202225254, ClinGen allele CA3612853.

ClinVar aggregate classification (germline): Likely benign. Review status: criteria provided, multiple submitters, no conflicts (2 of 4 stars). 5 submissions from 5 submitters: Likely benign (4). 1 of the submissions does not count toward it. Last evaluated 2026-01-14.

Conditions:
IRF4-related disorder. Also called: IRF4-related condition.

Allele frequency attached by ClinVar (database versions not stated): ExAC 0.00016; gnomAD exomes 0.00020; ESP Exome Variant Server 0.00023; gnomAD 0.00026 and 0.00027; 1000 Genomes Project 0.00040; 1000 Genomes Project 30x 0.00047.
gnomAD v4.1: 233 of 1,614,222 alleles (0.014%); highest among the groups gnomAD compares: Middle Eastern, 0.099%; no homozygotes.

Submissions (5):

Labcorp Genetics (formerly Invitae), Labcorp
Classification: Likely benign. Last evaluated: 2026-01-14. Review status: criteria provided, single submitter. Criteria: Invitae Variant Classification Sherloc (09022015). Collection method: clinical testing. Allele origin: germline.

Blueprint Genetics
Classification: Likely benign. Last evaluated: 2024-10-31. Review status: criteria provided, single submitter. Criteria: ACMG Guidelines, 2015. Collection method: clinical testing. Allele origin: germline.

CeGaT Center for Human Genetics Tuebingen
Classification: Likely benign. Last evaluated: 2023-05-01. Review status: criteria provided, single submitter. Criteria: CeGaT Center For Human Genetics Tuebingen Variant Classification Criteria Version 2. Collection method: clinical testing. Allele origin: germline. Affected: yes. Observed: 1 variant allele.
Comment: IRF4: BP4, BP7, BS1

Breakthrough Genomics
Classification: Likely benign. Review status: criteria provided, single submitter. Criteria: ACMG Guidelines, 2015. Collection method: not provided. Allele origin: germline. Inheritance: Unknown mechanism. Affected: yes.

PreventionGenetics, part of Exact Sciences
Classification: Likely benign for IRF4-related condition. Last evaluated: 2024-01-05. Review status: no assertion criteria provided. Collection method: clinical testing. Allele origin: germline. Not counted in ClinVar's aggregate classification.
Comment: This variant is classified as likely benign based on ACMG/AMP sequence variant interpretation guidelines (Richards et al. 2015 PMID: 25741868, with internal and published modifications).